The following is an entry in ClinVar:

ClinVar aggregate classification (germline): Uncertain significance. Review status: criteria provided, multiple submitters, no conflicts (2 of 4 stars). 2 submissions from 2 submitters: Uncertain significance (2). Last evaluated 2025-06-19.

Conditions:
Inborn genetic diseases. Identifiers: MedGen C0950123, MeSH D030342.

Allele frequency attached by ClinVar (database versions not stated): gnomAD exomes 0.00001.
gnomAD v4.1: 4 of 1,613,110 alleles (0.00025%); highest among the groups gnomAD compares: Admixed American, 0.0067%; no homozygotes.

Submissions (2):

Ambry Genetics
Classification: Uncertain significance for Inborn genetic diseases. Last evaluated: 2025-06-19. Review status: criteria provided, single submitter. Criteria: Ambry Variant Classification Scheme 2023. Collection method: clinical testing. Allele origin: germline.

GeneDx
Classification: Uncertain significance. Last evaluated: 2022-08-18. Review status: criteria provided, single submitter. Criteria: GeneDx Variant Classification Process June 2021. Collection method: clinical testing. Allele origin: germline. Affected: yes.
Comment: In silico analysis supports that this missense variant does not alter protein structure/function; Has not been previously published as pathogenic or benign to our knowledge

NM_000260.4(MYO7A):c.2918G>A (p.Gly973Glu)

Gene: MYO7A (myosin VIIA; plus strand). Cytogenetic location: 11q13.5.
Variant type: single nucleotide variant.
Coding change: c.2918G>A on transcript NM_000260.4 (MANE Select); coding-DNA position 2918, G replaced by A.
Protein change: p.Gly973Glu; replaces glycine 973 with glutamic acid.
Molecular consequence: missense variant.
Genome position (GRCh38, 1-based): chr11:77,181,964, G>A. VCF-style: chr11-77181964-G-A. GRCh37 (hg19) VCF-style: chr11-76893010-G-A.
Other names: c.2918G>A, p.Gly973Glu (NM_001127180.2); c.2885G>A, p.Gly962Glu (NM_001369365.1); short protein forms G962E, G973E.
Identifiers: ClinVar variation 2431025 (VCV002431025.2), dbSNP rs1555084782, ClinGen allele CA381943784.